The following is an entry in ClinVar:

NM_022455.5(NSD1):c.1844G>A (p.Cys615Tyr)

Gene: NSD1 (nuclear receptor binding SET domain protein 1; plus strand). Cytogenetic location: 5q35.3.
Variant type: single nucleotide variant.
Coding change: c.1844G>A on transcript NM_022455.5 (MANE Select); coding-DNA position 1844, G replaced by A.
Protein change: p.Cys615Tyr; replaces cysteine 615 with tyrosine.
Molecular consequence: missense variant.
Genome position (GRCh38, 1-based): chr5:177,210,243, G>A. VCF-style: chr5-177210243-G-A. GRCh37 (hg19) VCF-style: chr5-176637244-G-A.
Other names: c.971G>A, p.Cys324Tyr (NM_001365684.2, NM_001409306.1, NM_001409307.1 and 3 more transcripts); c.1844G>A, p.Cys615Tyr (NM_001409301.1, NM_001409302.1, NM_001409303.1); c.1424G>A, p.Cys475Tyr (NM_001409304.1); c.1091G>A, p.Cys364Tyr (NM_001409305.1); short protein forms C364Y, C324Y, C615Y, C475Y.
Identifiers: ClinVar variation 3650440 (VCV003650440.2).

ClinVar aggregate classification (germline): Uncertain significance (1 of 4 stars; one submission).

gnomAD v4.1: 1 of 1,598,428 alleles (0.000063%); highest among the groups gnomAD compares: Non-Finnish European, 0.000085%; no homozygotes.

Submission:

Labcorp Genetics (formerly Invitae), Labcorp
Classification: Uncertain significance. Last evaluated: 2024-10-27. Review status: criteria provided, single submitter. Criteria: Invitae Variant Classification Sherloc (09022015). Collection method: clinical testing. Allele origin: germline.
Comment: This sequence change replaces cysteine, which is neutral and slightly polar, with tyrosine, which is neutral and polar, at codon 615 of the NSD1 protein (p.Cys615Tyr). This variant is not present in population databases (gnomAD no frequency). This variant has not been reported in the literature in individuals affected with NSD1-related conditions. Invitae Evidence Modeling of protein sequence and biophysical properties (such as structural, functional, and spatial information, amino acid conservation, physicochemical variation, residue mobility, and thermodynamic stability) indicates that this missense variant is not expected to disrupt NSD1 protein function with a negative predictive value of 95%. In summary, the available evidence is currently insufficient to determine the role of this variant in disease. Therefore, it has been classified as a Variant of Uncertain Significance.